The following is an entry in ClinVar:

NM_004036.5(ADCY3):c.2737-3T>A

Gene: ADCY3 (adenylate cyclase 3; minus strand). Cytogenetic location: 2p23.3.
Variant type: single nucleotide variant.
Coding change: c.2737-3T>A on transcript NM_004036.5 (MANE Select); 3 bases into the intron before coding-DNA position 2737, T replaced by A.
Molecular consequence: intron variant.
Genome position (GRCh38, 1-based): chr2:24,823,358, A>T on the plus strand (T>A on the coding strand, the complement: ADCY3 is on the minus strand). VCF-style: chr2-24823358-A-T. GRCh37 (hg19) VCF-style: chr2-25046227-A-T.
Other names: c.2332-728T>A (NM_001377130.1); c.2599-3T>A (NM_001377129.1); c.2740-3T>A (NM_001320613.2); c.2803-3T>A (NM_001377128.1); c.2737-3T>A (NM_001377132.1); c.2014-3T>A (NM_001377131.1).
Identifiers: ClinVar variation 4993870 (VCV004993870.1).

ClinVar aggregate classification (germline): Uncertain significance (1 of 4 stars; one submission).

Conditions:
ADCY3-related disorder. Also called: ADCY3-related condition.

Submission:

PreventionGenetics, part of Exact Sciences
Classification: Uncertain significance for ADCY3-related condition. Last evaluated: 2025-10-15. Review status: criteria provided, single submitter. Criteria: ACMG Guidelines, 2015. Collection method: clinical testing. Allele origin: germline.
Comment: The ADCY3 c.2740-3T>A variant is predicted to interfere with splicing. To our knowledge, this variant has not been reported in the literature or in a large population database (gnomAD), indicating this variant is rare. At this time, the clinical significance of this variant is uncertain due to the absence of conclusive functional and genetic evidence.